The following is an entry in ClinVar:

ClinVar aggregate classification (germline): Pathogenic (1 of 4 stars; one submission).

Conditions:
CFTR-related disorder (CFTR-RD). Also called: CFTR-related disorders; CFTR-related condition. Identifiers: MedGen C5924204, MONDO:7770004.

gnomAD v4.1: 1 of 1,596,192 alleles (0.000063%); no homozygotes.

Submission:

Natera, Inc.
Classification: Pathogenic for CFTR-related disorders. Last evaluated: 2025-01-13. Review status: criteria provided, single submitter. Criteria: Natera Variant Classification Schema (03/2026). Collection method: clinical testing. Allele origin: germline.
Comment: The c.252T>A variant in CFTR is a nonsense variant predicted to introduce a stop codon at amino acid 84. This variant is expected to result in nonsense mediated decay, truncation, or a dysfunctional protein product. This variant is rare in the general population with a frequency below the threshold expected for the associated phenotype(s). This variant has been observed in one or more individuals affected with the associated recessive disease, as either homozygous or compound heterozygous with a second variant (PMID: 30548586). Given the available evidence, this variant is classified as Pathogenic.

Literature cited by the submitters: PubMed 30548586.

NM_000492.4(CFTR):c.252T>A (p.Tyr84Ter)

Gene: CFTR (CF transmembrane conductance regulator; plus strand). Cytogenetic location: 7q31.2.
Variant type: single nucleotide variant.
Coding change: c.252T>A on transcript NM_000492.4 (MANE Select); coding-DNA position 252, T replaced by A.
Protein change: p.Tyr84Ter; replaces tyrosine 84 with a stop codon.
Molecular consequence: nonsense.
Genome position (GRCh38, 1-based): chr7:117,509,121, T>A. VCF-style: chr7-117509121-T-A. GRCh37 (hg19) VCF-style: chr7-117149175-T-A.
Other names: short protein forms Y84*.
Identifiers: ClinVar variation 4064642 (VCV004064642.2).